The following is an entry in ClinVar:

ClinVar aggregate classification (germline): Likely benign. Review status: criteria provided, multiple submitters, no conflicts (2 of 4 stars). 2 submissions from 2 submitters: Likely benign (2). Last evaluated 2025-08-01.

Conditions:
Hereditary cancer-predisposing syndrome. Also called: Neoplastic Syndromes, Hereditary; Tumor predisposition; Hereditary Cancer Syndrome; Hereditary neoplastic syndrome. Identifiers: Orphanet 140162, MedGen C0027672, MeSH D009386, MONDO:0015356.

Submissions (2):

CeGaT Center for Human Genetics Tuebingen
Classification: Likely benign. Last evaluated: 2025-08-01. Review status: criteria provided, single submitter. Criteria: CeGaT Center For Human Genetics Tuebingen Variant Classification Criteria Version 2. Collection method: clinical testing. Allele origin: germline. Affected: yes. Observed: 1 variant allele.
Comment: NF2: PM2:Supporting, BP4, BP7

Ambry Genetics
Classification: Likely benign for Hereditary cancer-predisposing syndrome. Last evaluated: 2025-04-08. Review status: criteria provided, single submitter. Criteria: Ambry Variant Classification Scheme 2023. Collection method: clinical testing. Allele origin: germline.

NM_000268.4(NF2):c.93C>G (p.Ala31=)

Gene: NF2 (NF2, moesin-ezrin-radixin like (MERLIN) tumor suppressor; plus strand). Cytogenetic location: 22q12.2.
Variant type: single nucleotide variant.
Coding change: c.93C>G on transcript NM_000268.4 (MANE Select); coding-DNA position 93, C replaced by G.
Protein change: p.Ala31=; no amino-acid change (alanine 31 retained).
Molecular consequence: synonymous variant. On other transcripts: 5 prime UTR variant (4), non-coding transcript variant (1).
Genome position (GRCh38, 1-based): chr22:29,604,091, C>G. VCF-style: chr22-29604091-C-G. GRCh37 (hg19) VCF-style: chr22-30000080-C-G.
Other names: c.-138C>G (NM_001407053.1, NM_001407056.1); c.93C>G, p.Ala31= (NM_001407054.1, NM_001407055.1, NM_001407057.1 and 15 more transcripts); c.-548C>G (NM_001407065.1); c.-164C>G (NM_001407067.1).
Identifiers: ClinVar variation 3919133 (VCV003919133.9).